The following is an entry in ClinVar:

ClinVar aggregate classification (germline): Benign (1 of 4 stars; one submission).

Conditions:
White sponge nevus 2 (WSN2). Identifiers: MedGen C4014321, MONDO:0014346, OMIM 615785.

Allele frequency attached by ClinVar (database versions not stated): gnomAD 0.00005 and 0.00014; TOPMed 0.00007; gnomAD exomes 0.00012; ExAC 0.00014; 1000 Genomes Project 0.00060; 1000 Genomes Project 30x 0.00062.
gnomAD v4.1: 456 of 1,614,168 alleles (0.028%); highest among the groups gnomAD compares: East Asian, 0.99%; 3 homozygotes.

Submission:

Illumina Laboratory Services, Illumina
Classification: Benign for White sponge nevus 2. Last evaluated: 2018-01-13. Review status: criteria provided, single submitter. Criteria: ICSL Variant Classification Criteria 13 December 2019. Collection method: clinical testing. Allele origin: germline.
Comment: This variant was observed in the ICSL laboratory as part of a predisposition screen in an ostensibly healthy population. It had not been previously curated by ICSL or reported in the Human Gene Mutation Database (HGMD: prior to June 1st, 2018), and was therefore a candidate for classification through an automated scoring system. Utilizing variant allele frequency, disease prevalence and penetrance estimates, and inheritance mode, an automated score was calculated to assess if this variant is too frequent to cause the disease. Based on the score and internal cut-off values, a variant classified as benign is not then subjected to further curation. The score for this variant resulted in a classification of benign for this disease.

NM_153490.3(KRT13):c.1133G>A (p.Arg378His)

Gene: KRT13 (keratin 13; minus strand). Cytogenetic location: 17q21.2.
Variant type: single nucleotide variant.
Coding change: c.1133G>A on transcript NM_153490.3 (MANE Select); coding-DNA position 1133, G replaced by A.
Protein change: p.Arg378His; replaces arginine 378 with histidine.
Molecular consequence: missense variant.
Genome position (GRCh38, 1-based): chr17:41,502,485, C>T on the plus strand (G>A on the coding strand, the complement: KRT13 is on the minus strand). VCF-style: chr17-41502485-C-T. GRCh37 (hg19) VCF-style: chr17-39658737-C-T.
Other names: c.1133G>A, p.Arg378His (NM_002274.4); short protein forms R378H.
Identifiers: ClinVar variation 323079 (VCV000323079.5), dbSNP rs200309164, ClinGen allele CA8560504.
Genomic context (GRCh38, chr17:41,502,485, plus strand): 5'-AGACGTGTCTTGATGTCCAGCAGCATCTTGTACTCTTGGTTCTGGCACTCCATCTCACTG[C>T]GGAGCTCGCTCAGCTGGGCCTCGATGCTGCTGATGAGTCCCTGGATCTGCTGCAGCTGCA-3'
Protein context (NP_705694.3, residues 368-388): SSIEAQLSEL[Arg378His]SEMECQNQEY